The following is an entry in ClinVar:

NM_020822.3(KCNT1):c.59G>C (p.Gly20Ala)

Gene: KCNT1 (potassium sodium-activated channel subfamily T member 1; plus strand). Cytogenetic location: 9q34.3.
Variant type: single nucleotide variant.
Coding change: c.59G>C on transcript NM_020822.3 (MANE Select); coding-DNA position 59, G replaced by C.
Protein change: p.Gly20Ala; replaces glycine 20 with alanine.
Molecular consequence: missense variant.
Genome position (GRCh38, 1-based): chr9:135,702,317, G>C. VCF-style: chr9-135702317-G-C. GRCh37 (hg19) VCF-style: chr9-138594163-G-C.
Other names: p.Gly20Ala; c.59G>C, p.Gly20Ala (NM_001272003.2); short protein forms G20A.
Identifiers: ClinVar variation 129366 (VCV000129366.47), dbSNP rs146292575, ClinGen allele CA153320.

ClinVar aggregate classification (germline): Benign/Likely benign. Review status: criteria provided, multiple submitters, no conflicts (2 of 4 stars). 13 submissions from 12 submitters: Benign (8); Likely benign (4). 1 of the submissions does not count toward it. Last evaluated 2026-03-01.

Conditions:
Inborn genetic diseases. Identifiers: MedGen C0950123, MeSH D030342.
Developmental and epileptic encephalopathy, 14 (DEE14). Also called: Early infantile epileptic encephalopathy 14. Identifiers: Orphanet 293181, MedGen C3554195, MONDO:0013989, OMIM 614959.
Autosomal dominant nocturnal frontal lobe epilepsy 5. Also called: Epilepsy, nocturnal frontal lobe, 5; CILIARY DYSKINESIA, PRIMARY, 28, WITHOUT SITUS INVERSUS; CILIARY DYSKINESIA, PRIMARY, 28, WITH SITUS INVERSUS; KCNT1-Related Epilepsy. Identifiers: Orphanet 98784, MedGen C3554306, MONDO:0014002, OMIM 615005.

Allele frequency attached by ClinVar (database versions not stated): gnomAD 0.00472; 1000 Genomes Project 0.00479; ESP Exome Variant Server 0.00517; TOPMed 0.00520; 1000 Genomes Project 30x 0.00547.
gnomAD v4.1: 12,678 of 1,610,946 alleles (0.79%); highest among the groups gnomAD compares: Middle Eastern, 3%; 89 homozygotes.

Submissions (13):

CeGaT Center for Human Genetics Tuebingen
Classification: Benign. Last evaluated: 2026-03-01. Review status: criteria provided, single submitter. Criteria: CeGaT Center For Human Genetics Tuebingen Variant Classification Criteria Version 2. Collection method: clinical testing. Allele origin: germline. Affected: yes. Observed: 19 variant alleles.
Comment: KCNT1: BS1, BS2

Labcorp Genetics (formerly Invitae), Labcorp
Classification: Benign for Autosomal dominant nocturnal frontal lobe epilepsy 5; Developmental and epileptic encephalopathy, 14. Last evaluated: 2026-02-03. Review status: criteria provided, single submitter. Criteria: Invitae Variant Classification Sherloc (09022015). Collection method: clinical testing. Allele origin: germline.

Athena Diagnostics
Classification: Benign. Last evaluated: 2024-04-22. Review status: criteria provided, single submitter. Criteria: Athena Diagnostics Criteria. Collection method: clinical testing. Allele origin: unknown.

Genome-Nilou Lab
Classification: Likely benign for Developmental and epileptic encephalopathy, 14. Last evaluated: 2022-03-15. Review status: criteria provided, single submitter. Criteria: ACMG Guidelines, 2015. Collection method: clinical testing. Allele origin: germline. Affected: no.

Genome-Nilou Lab
Classification: Likely benign for Autosomal dominant nocturnal frontal lobe epilepsy 5. Last evaluated: 2022-03-15. Review status: criteria provided, single submitter. Criteria: ACMG Guidelines, 2015. Collection method: clinical testing. Allele origin: germline. Affected: no.

Mayo Clinic Laboratories, Mayo Clinic
Classification: Benign. Last evaluated: 2019-05-30. Review status: criteria provided, single submitter. Criteria: ACMG Guidelines, 2015. Collection method: clinical testing. Allele origin: germline. Observed: 14 variant alleles.

Center for Pediatric Genomic Medicine, Children's Mercy Hospital and Clinics
Classification: Likely benign. Last evaluated: 2016-06-21. Review status: criteria provided, single submitter. Criteria: ACMG Guidelines, 2015. Collection method: clinical testing. Allele origin: germline.
ClinVar note: Converted during submission from Likely Benign to Likely benign.

Ambry Genetics
Classification: Benign for Inborn genetic diseases. Last evaluated: 2016-05-17. Review status: criteria provided, single submitter. Criteria: Ambry Variant Classification Scheme 2023. Collection method: clinical testing. Allele origin: germline.

GeneDx
Classification: Benign. Last evaluated: 2016-02-08. Review status: criteria provided, single submitter. Criteria: GeneDx Variant Classification (06012015). Collection method: clinical testing. Allele origin: germline. Affected: yes.
Comment: This variant is considered likely benign or benign based on one or more of the following criteria: it is a conservative change, it occurs at a poorly conserved position in the protein, it is predicted to be benign by multiple in silico algorithms, and/or has population frequency not consistent with disease.

Eurofins Ntd Llc (ga)
Classification: Benign. Last evaluated: 2014-10-02. Review status: criteria provided, single submitter. Criteria: EGL Classification Definitions 2015. Collection method: clinical testing. Allele origin: germline. Observed: 3 variant alleles, 3 heterozygotes.

Breakthrough Genomics
Classification: Likely benign. Review status: criteria provided, single submitter. Criteria: ACMG Guidelines, 2015. Collection method: not provided. Allele origin: germline. Inheritance: Autosomal dominant inheritance. Affected: yes.

PreventionGenetics, part of Exact Sciences
Classification: Benign. Review status: criteria provided, single submitter. Criteria: ACMG Guidelines, 2015. Collection method: clinical testing. Allele origin: germline.

Genetic Services Laboratory, University of Chicago
Classification: Likely benign for AllHighlyPenetrant. Review status: no assertion criteria provided. Collection method: clinical testing. Allele origin: germline. Inheritance: Autosomal dominant inheritance. Not counted in ClinVar's aggregate classification.
Comment: Likely benign based on allele frequency in 1000 Genomes Project or ESP global frequency and its presence in a patient with a rare or unrelated disease phenotype. NOT Sanger confirmed.

Literature cited by the submitters: PubMed 28686619 (cited by Athena Diagnostics).